The following is an entry in ClinVar:

NM_007218.4(RNF139):c.84G>C (p.Val28=)

Gene: RNF139 (ring finger protein 139; plus strand). Cytogenetic location: 8q24.13.
Variant type: single nucleotide variant.
Coding change: c.84G>C on transcript NM_007218.4 (MANE Select); coding-DNA position 84, G replaced by C.
Protein change: p.Val28=; no amino-acid change (valine 28 retained).
Molecular consequence: synonymous variant.
Genome position (GRCh38, 1-based): chr8:124,475,193, G>C. VCF-style: chr8-124475193-G-C. GRCh37 (hg19) VCF-style: chr8-125487434-G-C.
Identifiers: ClinVar variation 4535316 (VCV004535316.6).

ClinVar aggregate classification (germline): Likely benign (1 of 4 stars; one submission).

Submission:

CeGaT Center for Human Genetics Tuebingen
Classification: Likely benign. Last evaluated: 2025-11-01. Review status: criteria provided, single submitter. Criteria: CeGaT Center For Human Genetics Tuebingen Variant Classification Criteria Version 2. Collection method: clinical testing. Allele origin: germline. Affected: yes. Observed: 1 variant allele.
Comment: RNF139: PM2:Supporting, BP4, BP7